The following is an entry in ClinVar:

NC_000010.10:g.(?_70174796)_(70174884_?)del

Gene: DNA2 (DNA replication helicase/nuclease 2; minus strand). Cytogenetic location: 10q21.3.
Variant type: Deletion.
Identifiers: ClinVar variation 2423641 (VCV002423641.4).

ClinVar aggregate classification (germline): Uncertain significance (1 of 4 stars; one submission).

Submission:

Labcorp Genetics (formerly Invitae), Labcorp
Classification: Uncertain significance. Last evaluated: 2023-10-03. Review status: criteria provided, single submitter. Criteria: Invitae Variant Classification Sherloc (09022015). Collection method: clinical testing. Allele origin: germline.
Comment: This variant is a gross deletion of the genomic region encompassing exon(s) 21 of the DNA2 gene, which includes the termination codon. This deletion extends beyond the assayed region for this gene and therefore may encompass additional genes. While this deletion is not anticipated to lead to nonsense mediated decay, it is expected to alter mRNA translation or result in a truncated protein product. This variant has not been reported in the literature in individuals affected with DNA2-related conditions. Experimental studies and prediction algorithms are not available or were not evaluated, and the functional significance of this variant is currently unknown. In summary, the available evidence is currently insufficient to determine the role of this variant in disease. Therefore, it has been classified as a Variant of Uncertain Significance.